The following is an entry in ClinVar:

NM_000381.4(MID1):c.1999C>A (p.Pro667Thr)

Genes: MID1 (midline 1; minus strand), LOC126863207 (BRD4-independent group 4 enhancer GRCh37_chrX:10416979-10418178; plus strand). Cytogenetic location: Xp22.2.
Variant type: single nucleotide variant.
Coding change: c.1999C>A on transcript NM_000381.4 (MANE Select); coding-DNA position 1999, C replaced by A.
Protein change: p.Pro667Thr; replaces proline 667 with threonine.
Molecular consequence: missense variant.
Genome position (GRCh38, 1-based): chrX:10,449,373, G>T on the plus strand (C>A on the coding strand, the complement: MID1 is on the minus strand). VCF-style: chrX-10449373-G-T. GRCh37 (hg19) VCF-style: chrX-10417413-G-T.
Other names: c.1999C>A, p.Pro667Thr (NM_001098624.2, NM_001193277.1, NM_001347733.2 and 1 more transcripts); c.1885C>A, p.Pro629Thr (NM_033289.2); short protein forms P629T, P667T.
Identifiers: ClinVar variation 4532546 (VCV004532546.1).

ClinVar aggregate classification (germline): Uncertain significance (1 of 4 stars; one submission).

Submission:

GeneDx
Classification: Uncertain significance. Last evaluated: 2025-05-23. Review status: criteria provided, single submitter. Criteria: GeneDx Variant Classification Process June 2021. Collection method: clinical testing. Allele origin: germline. Affected: yes.
Comment: Not observed at significant frequency in large population cohorts (gnomAD); In silico analysis suggests that this missense variant does not alter protein structure/function; Has not been previously published as pathogenic or benign to our knowledge